The following is an entry in ClinVar:

NM_015910.7(WDPCP):c.569C>G (p.Thr190Ser)

Gene: WDPCP (WD repeat containing planar cell polarity effector; minus strand). Cytogenetic location: 2p15.
Variant type: single nucleotide variant.
Coding change: c.569C>G on transcript NM_015910.7 (MANE Select); coding-DNA position 569, C replaced by G.
Protein change: p.Thr190Ser; replaces threonine 190 with serine.
Molecular consequence: missense variant. On other transcripts: non-coding transcript variant (3).
Genome position (GRCh38, 1-based): chr2:63,437,485, G>C on the plus strand (C>G on the coding strand, the complement: WDPCP is on the minus strand). VCF-style: chr2-63437485-G-C. GRCh37 (hg19) VCF-style: chr2-63664619-G-C.
Other names: c.92C>G, p.Thr31Ser (NM_001042692.3); c.497C>G, p.Thr166Ser (NM_001354044.2); c.569C>G, p.Thr190Ser (NM_001354045.2); short protein forms T166S, T190S, T31S.
Identifiers: ClinVar variation 3354121 (VCV003354121.1).

ClinVar aggregate classification (germline): Uncertain significance (0 of 4 stars; one submission).

Conditions:
WDPCP-related disorder. Also called: WDPCP-related condition.

gnomAD v4.1: 4 of 1,601,266 alleles (0.00025%); highest among the groups gnomAD compares: Non-Finnish European, 0.00034%; no homozygotes.

Submission:

PreventionGenetics, part of Exact Sciences
Classification: Uncertain significance for WDPCP-related condition. Last evaluated: 2024-07-05. Review status: no assertion criteria provided. Collection method: clinical testing. Allele origin: germline.
Comment: The WDPCP c.569C>G variant is predicted to result in the amino acid substitution p.Thr190Ser. To our knowledge, this variant has not been reported in the literature. This variant is reported in 0.00090% of alleles in individuals of European (Non-Finnish) descent in gnomAD. At this time, the clinical significance of this variant is uncertain due to the absence of conclusive functional and genetic evidence.